The following is an entry in ClinVar:

ClinVar aggregate classification (germline): Uncertain significance (1 of 4 stars; one submission).

Conditions:
Alstrom syndrome (ALMS). Identifiers: Orphanet 64, MedGen C0268425, MONDO:0008763, OMIM 203800.

Allele frequency attached by ClinVar (database versions not stated): TOPMed below 0.00001; gnomAD 0.00001.
gnomAD v4.1: 1 of 1,614,024 alleles (0.000062%); highest among the groups gnomAD compares: African/African-American, 0.0013%; no homozygotes.

Submission:

Labcorp Genetics (formerly Invitae), Labcorp
Classification: Uncertain significance for Alstrom syndrome. Last evaluated: 2022-07-06. Review status: criteria provided, single submitter. Criteria: Invitae Variant Classification Sherloc (09022015). Collection method: clinical testing. Allele origin: germline.
Comment: This sequence change replaces glutamine, which is neutral and polar, with lysine, which is basic and polar, at codon 3149 of the ALMS1 protein (p.Gln3149Lys). This variant is not present in population databases (gnomAD no frequency). This variant has not been reported in the literature in individuals affected with ALMS1-related conditions. ClinVar contains an entry for this variant (Variation ID: 1390945). Experimental studies and prediction algorithms are not available or were not evaluated, and the functional significance of this variant is currently unknown. In summary, the available evidence is currently insufficient to determine the role of this variant in disease. Therefore, it has been classified as a Variant of Uncertain Significance.

NM_001378454.1(ALMS1):c.9442C>A (p.Gln3148Lys)

Gene: ALMS1 (ALMS1 centrosome and basal body associated protein; plus strand). Cytogenetic location: 2p13.1.
Variant type: single nucleotide variant.
Coding change: c.9442C>A on transcript NM_001378454.1 (MANE Select); coding-DNA position 9442, C replaced by A.
Protein change: p.Gln3148Lys; replaces glutamine 3148 with lysine.
Molecular consequence: missense variant.
Genome position (GRCh38, 1-based): chr2:73,491,401, C>A. VCF-style: chr2-73491401-C-A. GRCh37 (hg19) VCF-style: chr2-73718528-C-A.
Other names: c.9445C>A, p.Gln3149Lys (NM_015120.4); short protein forms Q3149K, Q3148K.
Identifiers: ClinVar variation 1390945 (VCV001390945.3), dbSNP rs917667192, ClinGen allele CA50380562.